The following is an entry in ClinVar:

ClinVar aggregate classification (germline): Pathogenic. Review status: criteria provided, multiple submitters, no conflicts (2 of 4 stars). 3 submissions from 3 submitters: Pathogenic (3). Last evaluated 2023-08-04.

Conditions:
Cone-rod dystrophy. Also called: Cone/cone-rod dystrophy; Cone-rod degeneration. Identifiers: Orphanet 1872, MedGen C4085590, MONDO:0015993, HP:0000548.

Allele frequency attached by ClinVar (database versions not stated): gnomAD exomes below 0.00001.
gnomAD v4.1: 2 of 1,048,228 alleles (0.00019%); highest among the groups gnomAD compares: Non-Finnish European, 0.00024%; no homozygotes.

Submissions (3):

Labcorp Genetics (formerly Invitae), Labcorp
Classification: Pathogenic. Last evaluated: 2023-08-04. Review status: criteria provided, single submitter. Criteria: Invitae Variant Classification Sherloc (09022015). Collection method: clinical testing. Allele origin: germline.
Comment: ClinVar contains an entry for this variant (Variation ID: 813203). For these reasons, this variant has been classified as Pathogenic. Algorithms developed to predict the effect of sequence changes on RNA splicing suggest that this variant may disrupt the consensus splice site. Disruption of this splice site has been observed in individuals with clinical features of autosomal recessive cone-rod dystrophy (PMID: 32531858; Invitae). This variant is not present in population databases (gnomAD no frequency). This sequence change affects a donor splice site in intron 20 of the PROM1 gene. It is expected to disrupt RNA splicing. Variants that disrupt the donor or acceptor splice site typically lead to a loss of protein function (PMID: 16199547), and loss-of-function variants in PROM1 are known to be pathogenic (PMID: 17605048, 19718270, 24154662, 25474345).

Molecular Genetics Laboratory, Institute for Ophthalmic Research
Classification: Pathogenic for Cone-rod dystrophy. Last evaluated: 2020-01-09. Review status: criteria provided, single submitter. Criteria: ACMG Guidelines, 2015. Collection method: research. Allele origin: germline. Affected: yes.

CeGaT Center for Human Genetics Tuebingen
Classification: Pathogenic. Last evaluated: 2019-02-01. Review status: criteria provided, single submitter. Criteria: CeGaT Center For Human Genetics Tuebingen Variant Classification Criteria Version 2. Collection method: clinical testing. Allele origin: germline. Affected: yes. Observed: 2 variant alleles.

Literature cited by the submitters: PubMed 32531858 (cited by Labcorp Genetics (formerly Invitae), Labcorp); PubMed 16199547 (cited by Labcorp Genetics (formerly Invitae), Labcorp); PubMed 17605048 (cited by Labcorp Genetics (formerly Invitae), Labcorp); PubMed 19718270 (cited by Labcorp Genetics (formerly Invitae), Labcorp); PubMed 24154662 (cited by Labcorp Genetics (formerly Invitae), Labcorp); PubMed 25474345 (cited by Labcorp Genetics (formerly Invitae), Labcorp).

NM_006017.3(PROM1):c.2211+1G>A

Gene: PROM1 (prominin 1; minus strand). Cytogenetic location: 4p15.32.
Variant type: single nucleotide variant.
Coding change: c.2211+1G>A on transcript NM_006017.3 (MANE Select); the canonical splice donor site of the intron after coding-DNA position 2211, G replaced by A.
Molecular consequence: splice donor variant.
Genome position (GRCh38, 1-based): chr4:15,985,956, C>T on the plus strand (G>A on the coding strand, the complement: PROM1 is on the minus strand). VCF-style: chr4-15985956-C-T. GRCh37 (hg19) VCF-style: chr4-15987579-C-T.
Other names: c.2184+1G>A (NM_001145848.2, NM_001145852.2, NM_001145847.2 and 4 more transcripts); c.2211+1G>A (NM_001145850.2, NM_001145849.2).
Identifiers: ClinVar variation 813203 (VCV000813203.49), dbSNP rs1719285721, ClinGen allele CA356428170.